The following is an entry in ClinVar:

ClinVar aggregate classification (germline): Benign/Likely benign. Review status: criteria provided, multiple submitters, no conflicts (2 of 4 stars). 3 submissions from 3 submitters: Benign (1); Likely benign (2). Last evaluated 2026-09-01.

Allele frequency attached by ClinVar (database versions not stated): 1000 Genomes Project 0.00339; 1000 Genomes Project 30x 0.00344; TOPMed 0.00595; gnomAD exomes 0.00809.
gnomAD v4.1: 4,033 of 536,860 alleles (0.75%); highest among the groups gnomAD compares: Non-Finnish European, 1.1%; 34 homozygotes.

Submissions (3):

CeGaT Center for Human Genetics Tuebingen
Classification: Benign. Last evaluated: 2026-09-01. Review status: criteria provided, single submitter. Criteria: CeGaT Center For Human Genetics Tuebingen Variant Classification Criteria Version 2. Collection method: clinical testing. Allele origin: germline. Affected: yes. Observed: 35 variant alleles.
Comment: FUS: BS1, BS2

GeneDx
Classification: Likely benign. Last evaluated: 2018-09-04. Review status: criteria provided, single submitter. Criteria: GeneDx Variant Classification Process June 2021. Collection method: clinical testing. Allele origin: germline. Affected: yes.

Breakthrough Genomics
Classification: Likely benign. Review status: criteria provided, single submitter. Criteria: ACMG Guidelines, 2015. Collection method: not provided. Allele origin: germline. Inheritance: Autosomal dominant inheritance. Affected: yes.

NM_004960.4(FUS):c.800-275C>G

Gene: FUS (FUS DNA/RNA binding protein; plus strand). Cytogenetic location: 16p11.2.
Variant type: single nucleotide variant.
Coding change: c.800-275C>G on transcript NM_004960.4 (MANE Select); 275 bases into the intron before coding-DNA position 800, C replaced by G.
Molecular consequence: intron variant.
Genome position (GRCh38, 1-based): chr16:31,188,050, C>G. VCF-style: chr16-31188050-C-G. GRCh37 (hg19) VCF-style: chr16-31199371-C-G.
Other names: c.788-275C>G (NM_001170937.1); c.797-275C>G (NM_001170634.1).
Identifiers: ClinVar variation 1212742 (VCV001212742.28), dbSNP rs138631439, ClinGen allele CA280599470.